The following is an entry in ClinVar:

ClinVar aggregate classification (germline): Conflicting classifications of pathogenicity. Review status: criteria provided, conflicting classifications (1 of 4 stars). 2 submissions from 2 submitters: Uncertain significance (1); Likely benign (1). Last evaluated 2025-02-02.

Conditions:
Aicardi-Goutieres syndrome 3. Identifiers: Orphanet 51, MedGen C1835916, MONDO:0012471, OMIM 610329.

Allele frequency attached by ClinVar (database versions not stated): TOPMed 0.00001; ExAC 0.00003; gnomAD 0.00003.

Submissions (2):

Labcorp Genetics (formerly Invitae), Labcorp
Classification: Likely benign for Aicardi-Goutieres syndrome 3. Last evaluated: 2025-02-02. Review status: criteria provided, single submitter. Criteria: Invitae Variant Classification Sherloc (09022015). Collection method: clinical testing. Allele origin: germline.

GeneDx
Classification: Uncertain significance. Last evaluated: 2024-01-08. Review status: criteria provided, single submitter. Criteria: GeneDx Variant Classification Process June 2021. Collection method: clinical testing. Allele origin: germline. Affected: yes.
Comment: In silico analysis supports that this variant does not alter splicing; Has not been previously published as pathogenic or benign to our knowledge

NM_032193.4(RNASEH2C):c.340C>A (p.Arg114=)

Gene: RNASEH2C (ribonuclease H2 subunit C; minus strand). Cytogenetic location: 11q13.1.
Variant type: single nucleotide variant.
Coding change: c.340C>A on transcript NM_032193.4 (MANE Select); coding-DNA position 340, C replaced by A.
Protein change: p.Arg114=; no amino-acid change (arginine 114 retained).
Molecular consequence: synonymous variant.
Genome position (GRCh38, 1-based): chr11:65,720,250, G>T on the plus strand (C>A on the coding strand, the complement: RNASEH2C is on the minus strand). VCF-style: chr11-65720250-G-T. GRCh37 (hg19) VCF-style: chr11-65487721-G-T.
Identifiers: ClinVar variation 2896167 (VCV002896167.4), dbSNP rs775240118, ClinGen allele CA6107732.